The following is an entry in ClinVar:

NM_006206.6(PDGFRA):c.917C>T (p.Thr306Ile)

Gene: PDGFRA (platelet derived growth factor receptor alpha; plus strand). Cytogenetic location: 4q12.
Variant type: single nucleotide variant.
Coding change: c.917C>T on transcript NM_006206.6 (MANE Select); coding-DNA position 917, C replaced by T.
Protein change: p.Thr306Ile; replaces threonine 306 with isoleucine.
Molecular consequence: missense variant.
Genome position (GRCh38, 1-based): chr4:54,267,446, C>T. VCF-style: chr4-54267446-C-T. GRCh37 (hg19) VCF-style: chr4-55133613-C-T.
Other names: c.917C>T, p.Thr306Ile (NM_001347827.2, NM_001347829.2); c.992C>T, p.Thr331Ile (NM_001347828.2); c.956C>T, p.Thr319Ile (NM_001347830.2); c.917C>T (NM_006206.4); short protein forms T319I, T306I, T331I.
Identifiers: ClinVar variation 1047036 (VCV001047036.10), dbSNP rs139685174, ClinGen allele CA96852002.

ClinVar aggregate classification (germline): Uncertain significance. Review status: criteria provided, multiple submitters, no conflicts (2 of 4 stars). 2 submissions from 2 submitters: Uncertain significance (2). Last evaluated 2025-01-17.

Conditions:
Gastrointestinal stromal tumor. Also called: Gastrointestinal stromal tumor, somatic; Gastrointestinal stroma tumor. Identifiers: Orphanet 44890, MedGen C0238198, MeSH D046152, MONDO:0011719, OMIM 606764, HP:0100723.
Hereditary cancer-predisposing syndrome. Also called: Tumor predisposition; Neoplastic Syndromes, Hereditary; Hereditary neoplastic syndrome; Hereditary Cancer Syndrome. Identifiers: Orphanet 140162, MedGen C0027672, MeSH D009386, MONDO:0015356.

gnomAD v4.1: 1 of 1,614,130 alleles (0.000062%); no homozygotes.

Submissions (2):

Ambry Genetics
Classification: Uncertain significance for Hereditary cancer-predisposing syndrome. Last evaluated: 2025-01-17. Review status: criteria provided, single submitter. Criteria: Ambry Variant Classification Scheme 2023. Collection method: clinical testing. Allele origin: germline.
Comment: The p.T306I variant (also known as c.917C>T), located in coding exon 5 of the PDGFRA gene, results from a C to T substitution at nucleotide position 917. The threonine at codon 306 is replaced by isoleucine, an amino acid with similar properties. This amino acid position is conserved. In addition, this alteration is predicted to be tolerated by in silico analysis. Based on the available evidence, the clinical significance of this variant remains unclear.

Labcorp Genetics (formerly Invitae), Labcorp
Classification: Uncertain significance for Gastrointestinal stromal tumor. Last evaluated: 2021-03-19. Review status: criteria provided, single submitter. Criteria: Invitae Variant Classification Sherloc (09022015). Collection method: clinical testing. Allele origin: germline.
Comment: In summary, the available evidence is currently insufficient to determine the role of this variant in disease. Therefore, it has been classified as a Variant of Uncertain Significance. Algorithms developed to predict the effect of missense changes on protein structure and function (SIFT, PolyPhen-2, Align-GVGD) all suggest that this variant is likely to be tolerated, but these predictions have not been confirmed by published functional studies and their clinical significance is uncertain. This variant has not been reported in the literature in individuals with PDGFRA-related conditions. This variant is not present in population databases (ExAC no frequency). This sequence change replaces threonine with isoleucine at codon 306 of the PDGFRA protein (p.Thr306Ile). The threonine residue is moderately conserved and there is a moderate physicochemical difference between threonine and isoleucine.